The following is an entry in ClinVar:

ClinVar aggregate classification (germline): Benign. Review status: criteria provided, multiple submitters, no conflicts (2 of 4 stars). 9 submissions from 9 submitters: Benign (7). 2 of the submissions do not count toward it. Last evaluated 2026-02-04.

Conditions:
Disorders of Intracellular Cobalamin Metabolism. Identifiers: MedGen CN043592.
Methylcobalamin deficiency type cblG (HMAG). Also called: HOMOCYSTINURIA-MEGALOBLASTIC ANEMIA, cblG COMPLEMENTATION TYPE; HOMOCYSTINURIA-MEGALOBLASTIC ANEMIA, cblG TYPE; HOMOCYSTINURIA-MEGALOBLASTIC ANEMIA DUE TO DEFECT IN COBALAMIN METABOLISM, cblG COMPLEMENTATION TYPE; Functional methionine synthase deficiency type cblG. Identifiers: Orphanet 2170, Orphanet 622, MedGen C1855128, MONDO:0009609, OMIM 250940.

Allele frequency attached by ClinVar (database versions not stated): 1000 Genomes Project 30x 0.52811; 1000 Genomes Project 0.52915; TOPMed 0.53399; gnomAD 0.54121 and 0.54363; ESP Exome Variant Server 0.54606.
gnomAD v4.1: 911,333 of 1,580,542 alleles (58%); highest among the groups gnomAD compares: South Asian, 62%; 264,432 homozygotes.

Submissions (9):

Labcorp Genetics (formerly Invitae), Labcorp
Classification: Benign for Methylcobalamin deficiency type cblG. Last evaluated: 2026-02-04. Review status: criteria provided, single submitter. Criteria: Invitae Variant Classification Sherloc (09022015). Collection method: clinical testing. Allele origin: germline.

Blueprint Genetics
Classification: Benign. Last evaluated: 2024-11-26. Review status: criteria provided, single submitter. Criteria: ACMG Guidelines, 2015. Collection method: clinical testing. Allele origin: germline.

Mayo Clinic Laboratories, Mayo Clinic
Classification: Benign. Last evaluated: 2022-03-03. Review status: criteria provided, single submitter. Criteria: ACMG Guidelines, 2015. Collection method: clinical testing. Allele origin: germline. Observed: 78 variant alleles.

Genome-Nilou Lab
Classification: Benign for Methylcobalamin deficiency type cblG. Last evaluated: 2021-09-05. Review status: criteria provided, single submitter. Criteria: ACMG Guidelines, 2015. Collection method: clinical testing. Allele origin: germline. Affected: no.

Illumina Laboratory Services, Illumina
Classification: Benign for Disorders of Intracellular Cobalamin Metabolism. Last evaluated: 2018-01-13. Review status: criteria provided, single submitter. Criteria: ICSL Variant Classification Criteria 13 December 2019. Collection method: clinical testing. Allele origin: germline.
Comment: This variant was observed in the ICSL laboratory as part of a predisposition screen in an ostensibly healthy population. It had not been previously curated by ICSL or reported in the Human Gene Mutation Database (HGMD: prior to June 1st, 2018), and was therefore a candidate for classification through an automated scoring system. Utilizing variant allele frequency, disease prevalence and penetrance estimates, and inheritance mode, an automated score was calculated to assess if this variant is too frequent to cause the disease. Based on the score and internal cut-off values, a variant classified as benign is not then subjected to further curation. The score for this variant resulted in a classification of benign for this disease.

GeneDx
Classification: Benign. Last evaluated: 2013-09-09. Review status: criteria provided, single submitter. Criteria: GeneDx Variant Classification (06012015). Collection method: clinical testing. Allele origin: germline. Affected: yes.
Comment: This variant is considered likely benign or benign based on one or more of the following criteria: it is a conservative change, it occurs at a poorly conserved position in the protein, it is predicted to be benign by multiple in silico algorithms, and/or has population frequency not consistent with disease.

Breakthrough Genomics
Classification: Benign. Review status: criteria provided, single submitter. Criteria: ACMG Guidelines, 2015. Collection method: not provided. Allele origin: germline. Inheritance: Autosomal recessive inheritance. Affected: yes.

Clinical Genetics, Academic Medical Center
Classification: Benign. Review status: no assertion criteria provided. Collection method: clinical testing. Allele origin: germline. Affected: yes. Study: VKGL Data-share Consensus. Not counted in ClinVar's aggregate classification.

Diagnostic Laboratory, Department of Genetics, University Medical Center Groningen
Classification: Benign. Review status: no assertion criteria provided. Collection method: clinical testing. Allele origin: germline. Affected: yes. Study: VKGL Data-share Consensus. Not counted in ClinVar's aggregate classification.

NM_000254.3(MTR):c.3576C>T (p.Leu1192=)

Gene: MTR (5-methyltetrahydrofolate-homocysteine methyltransferase; plus strand). Cytogenetic location: 1q43.
Variant type: single nucleotide variant.
Coding change: c.3576C>T on transcript NM_000254.3 (MANE Select); coding-DNA position 3576, C replaced by T.
Protein change: p.Leu1192=; no amino-acid change (leucine 1192 retained).
Molecular consequence: synonymous variant.
Genome position (GRCh38, 1-based): chr1:236,895,528, C>T. VCF-style: chr1-236895528-C-T. GRCh37 (hg19) VCF-style: chr1-237058828-C-T.
Other names: p.L1192L:CTC>CTT; p.Leu1192=; c.3423C>T, p.Leu1141= (NM_001291939.1); c.2355C>T, p.Leu785= (NM_001291940.2).
Identifiers: ClinVar variation 138284 (VCV000138284.21), dbSNP rs1131449, ClinGen allele CA292209.